The following is an entry in ClinVar:

NM_002340.6(LSS):c.1622T>C (p.Leu541Pro)

Gene: LSS (lanosterol synthase; minus strand). Cytogenetic location: 21q22.3.
Variant type: single nucleotide variant.
Coding change: c.1622T>C on transcript NM_002340.6 (MANE Select); coding-DNA position 1622, T replaced by C.
Protein change: p.Leu541Pro; replaces leucine 541 with proline.
Molecular consequence: missense variant.
Genome position (GRCh38, 1-based): chr21:46,205,884, A>G on the plus strand (T>C on the coding strand, the complement: LSS is on the minus strand). VCF-style: chr21-46205884-A-G. GRCh37 (hg19) VCF-style: chr21-47625798-A-G.
Other names: c.1622T>C, p.Leu541Pro (NM_001001438.3); c.1589T>C, p.Leu530Pro (NM_001145436.2); c.1382T>C, p.Leu461Pro (NM_001145437.2); short protein forms L461P, L530P, L541P.
Identifiers: ClinVar variation 3371538 (VCV003371538.2).
Genomic context (GRCh38, chr21:46,205,884, plus strand): 5'-GACCCTCCTTACCGGATCTCCGCTGCCCTGTGCTCCGGGAAACGCTTGTGGAAATACTTA[A>G]GCGCCTGCATCACGGCTGAGGTGCACTCCACATAGGTGTAGTCAATCATGATGTCCCCTG-3'
Protein context (NP_002331.3, residues 531-551): VECTSAVMQA[Leu541Pro]KYFHKRFPEH

ClinVar aggregate classification (germline): Uncertain significance (1 of 4 stars; one submission).

Submission:

GeneDx
Classification: Uncertain significance. Last evaluated: 2025-07-15. Review status: criteria provided, single submitter. Criteria: GeneDx Variant Classification Process June 2021. Collection method: clinical testing. Allele origin: germline. Affected: yes.
Comment: Not observed at significant frequency in large population cohorts (gnomAD); In silico analysis supports that this missense variant has a deleterious effect on protein structure/function; Has not been previously published as pathogenic or benign to our knowledge